The following is an entry in ClinVar:

NM_002294.3(LAMP2):c.65-3C>T

Gene: LAMP2 (lysosome associated membrane protein 2; minus strand). Cytogenetic location: Xq24.
Variant type: single nucleotide variant.
Coding change: c.65-3C>T on transcript NM_002294.3 (MANE Select); 3 bases into the intron before coding-DNA position 65, C replaced by T.
Molecular consequence: intron variant.
Genome position (GRCh38, 1-based): chrX:120,456,772, G>A on the plus strand (C>T on the coding strand, the complement: LAMP2 is on the minus strand). VCF-style: chrX-120456772-G-A. GRCh37 (hg19) VCF-style: chrX-119590627-G-A.
Other names: c.65-3C>T (NM_001122606.1, NM_013995.2).
Identifiers: ClinVar variation 392310 (VCV000392310.2), dbSNP rs769801659, ClinGen allele CA10505350.

ClinVar aggregate classification (germline): Likely benign. Review status: criteria provided, multiple submitters, no conflicts (2 of 4 stars). 2 submissions from 2 submitters: Likely benign (2). Last evaluated 2019-06-27.

Allele frequency attached by ClinVar (database versions not stated): ExAC below 0.00001; gnomAD exomes below 0.00001.
gnomAD v4.1: 4 of 1,017,716 alleles (0.00039%); highest among the groups gnomAD compares: Non-Finnish European, 0.00041%; no homozygotes.

Submissions (2):

Blueprint Genetics
Classification: Likely benign. Last evaluated: 2019-06-27. Review status: criteria provided, single submitter. Criteria: ACMG Guidelines, 2015. Collection method: clinical testing. Allele origin: germline.

GeneDx
Classification: Likely benign. Last evaluated: 2017-01-10. Review status: criteria provided, single submitter. Criteria: GeneDx Variant Classification (06012015). Collection method: clinical testing. Allele origin: germline. Affected: yes.
Comment: This variant is considered likely benign or benign based on one or more of the following criteria: it is a conservative change, it occurs at a poorly conserved position in the protein, it is predicted to be benign by multiple in silico algorithms, and/or has population frequency not consistent with disease.